The following is an entry in ClinVar:

NM_024422.6(DSC2):c.355-15G>A

Gene: DSC2 (desmocollin 2; minus strand). Cytogenetic location: 18q12.1.
Variant type: single nucleotide variant.
Coding change: c.355-15G>A on transcript NM_024422.6 (MANE Select); 15 bases into the intron before coding-DNA position 355, G replaced by A.
Molecular consequence: intron variant.
Genome position (GRCh38, 1-based): chr18:31,091,162, C>T on the plus strand (G>A on the coding strand, the complement: DSC2 is on the minus strand). VCF-style: chr18-31091162-C-T. GRCh37 (hg19) VCF-style: chr18-28671125-C-T.
Other names: c.355-15G>A (NM_004949.5); c.-75-15G>A (NM_001406506.1, NM_001406507.1).
Identifiers: ClinVar variation 3070773 (VCV003070773.6), dbSNP rs2510955125, ClinGen allele CA2641388094.

ClinVar aggregate classification (germline): Likely benign. Review status: criteria provided, multiple submitters, no conflicts (2 of 4 stars). 4 submissions from 4 submitters: Likely benign (4). Last evaluated 2024-09-14.

Conditions:
Cardiomyopathy (CMYO). Also called: Cardiomyopathies. Identifiers: Orphanet 167848, MedGen C0878544, MONDO:0004994, HP:0001638. Inheritance: Various modes of inheritance.
Familial isolated arrhythmogenic right ventricular dysplasia. Identifiers: Orphanet 217656, MedGen C4274968, MONDO:0016342.
Arrhythmogenic right ventricular dysplasia 11. Also called: Arrhythmogenic Right Ventricular Dysplasia/Cardiomyopathy11; ARRHYTHMOGENIC RIGHT VENTRICULAR DYSPLASIA, FAMILIAL, 11; Arrhythmogenic right ventricular dysplasia 11 with mild palmoplantar keratoderma and woolly hair. Identifiers: MedGen C1864850, MONDO:0012506, OMIM 610476.

Allele frequency attached by ClinVar (database versions not stated): gnomAD exomes below 0.00001.
gnomAD v4.1: 2 of 1,613,406 alleles (0.00012%); highest among the groups gnomAD compares: South Asian, 0.0011%; no homozygotes.

Submissions (4):

Labcorp Genetics (formerly Invitae), Labcorp
Classification: Likely benign for Arrhythmogenic right ventricular dysplasia 11. Last evaluated: 2024-09-14. Review status: criteria provided, single submitter. Criteria: Invitae Variant Classification Sherloc (09022015). Collection method: clinical testing. Allele origin: germline.

All of Us Research Program, National Institutes of Health
Classification: Likely benign for Familial isolated arrhythmogenic right ventricular dysplasia. Last evaluated: 2024-04-16. Review status: criteria provided, single submitter. Criteria: ACMG Guidelines, 2015. Collection method: clinical testing. Allele origin: germline. Inheritance: Autosomal dominant inheritance. Observed: 2 variant alleles, 2 heterozygotes.
Comment: This study involves interpretation of variants in research participants for the purpose of population health screening. Participant phenotype was not available at the time of variant classification. Additional details can be found in publication PMID: 35346344, PMCID: PMC8962531

Color Diagnostics, LLC DBA Color Health
Classification: Likely benign for Cardiomyopathy. Last evaluated: 2023-03-30. Review status: criteria provided, single submitter. Criteria: ACMG Guidelines, 2015. Collection method: clinical testing. Allele origin: germline.

Blueprint Genetics
Classification: Likely benign. Last evaluated: 2019-10-09. Review status: criteria provided, single submitter. Criteria: ACMG Guidelines, 2015. Collection method: clinical testing. Allele origin: germline.